The following is an entry in ClinVar:

ClinVar aggregate classification (germline): Uncertain significance (1 of 4 stars; one submission).

Allele frequency attached by ClinVar (database versions not stated): gnomAD exomes below 0.00001; TOPMed below 0.00001; ExAC 0.00001; gnomAD 0.00001.

Submission:

Labcorp Genetics (formerly Invitae), Labcorp
Classification: Uncertain significance. Last evaluated: 2023-12-06. Review status: criteria provided, single submitter. Criteria: Invitae Variant Classification Sherloc (09022015). Collection method: clinical testing. Allele origin: germline.
Comment: This sequence change replaces arginine, which is basic and polar, with tryptophan, which is neutral and slightly polar, at codon 559 of the DLL4 protein (p.Arg559Trp). The frequency data for this variant in the population databases is considered unreliable, as metrics indicate poor data quality at this position in the gnomAD database. This variant has not been reported in the literature in individuals affected with DLL4-related conditions. Advanced modeling of protein sequence and biophysical properties (such as structural, functional, and spatial information, amino acid conservation, physicochemical variation, residue mobility, and thermodynamic stability) performed at Invitae indicates that this missense variant is not expected to disrupt DLL4 protein function with a negative predictive value of 80%. In summary, the available evidence is currently insufficient to determine the role of this variant in disease. Therefore, it has been classified as a Variant of Uncertain Significance.

NM_019074.4(DLL4):c.1675C>T (p.Arg559Trp)

Gene: DLL4 (delta like canonical Notch ligand 4; plus strand). Cytogenetic location: 15q15.1.
Variant type: single nucleotide variant.
Coding change: c.1675C>T on transcript NM_019074.4 (MANE Select); coding-DNA position 1675, C replaced by T.
Protein change: p.Arg559Trp; replaces arginine 559 with tryptophan.
Molecular consequence: missense variant.
Genome position (GRCh38, 1-based): chr15:40,936,662, C>T. VCF-style: chr15-40936662-C-T. GRCh37 (hg19) VCF-style: chr15-41228860-C-T.
Other names: short protein forms R559W.
Identifiers: ClinVar variation 2999214 (VCV002999214.3), dbSNP rs761803635, ClinGen allele CA7487976.